The following is an entry in ClinVar:

ClinVar aggregate classification (germline): Pathogenic (1 of 4 stars; one submission).

Submission:

Labcorp Genetics (formerly Invitae), Labcorp
Classification: Pathogenic. Last evaluated: 2023-03-22. Review status: criteria provided, single submitter. Criteria: Invitae Variant Classification Sherloc (09022015). Collection method: clinical testing. Allele origin: germline.
Comment: This variant is not present in population databases (gnomAD no frequency). This variant has not been reported in the literature in individuals affected with USH2A-related conditions. For these reasons, this variant has been classified as Pathogenic. This sequence change creates a premature translational stop signal (p.Lys2988Serfs*70) in the USH2A gene. It is expected to result in an absent or disrupted protein product. Loss-of-function variants in USH2A are known to be pathogenic (PMID: 10729113, 10909849, 20507924, 25649381).

Literature cited by the submitters: PubMed 10729113; PubMed 10909849; PubMed 20507924; PubMed 25649381.

NM_206933.4(USH2A):c.8963del (p.Lys2988fs)

Gene: USH2A (usherin; minus strand). Cytogenetic location: 1q41.
Variant type: Deletion.
Coding change: c.8963del on transcript NM_206933.4 (MANE Select); coding-DNA position 8963, one base deleted (A; older notation c.8963delA).
Protein change: p.Lys2988fs; shifts the reading frame from lysine 2988.
Molecular consequence: frameshift variant.
Genome position (GRCh38, 1-based): chr1:215,845,916, T deleted on the plus strand (A on the coding strand, the reverse complement: USH2A is on the minus strand); the first of 3 consecutive T bases (chr1:215,845,916-215,845,918); deleting any one gives the same sequence. VCF-style (leftmost placement, unchanged base first): chr1-215845915-CT-C. GRCh37 (hg19) VCF-style: chr1-216019257-CT-C.
Other names: short protein forms K2988fs.
Identifiers: ClinVar variation 2828337 (VCV002828337.3), dbSNP rs2464611712, ClinGen allele CA2739275593.